The following is an entry in ClinVar:

NM_006941.4(SOX10):c.773G>A (p.Arg258Gln)

Genes: POLR2F (RNA polymerase II, I and III subunit F; plus strand), SOX10 (SRY-box transcription factor 10; minus strand). Cytogenetic location: 22q13.1.
Variant type: single nucleotide variant.
Coding change: c.773G>A on transcript NM_006941.4 (MANE Select); coding-DNA position 773, G replaced by A.
Protein change: p.Arg258Gln; replaces arginine 258 with glutamine.
Molecular consequence: missense variant. On other transcripts: intron variant (3).
Genome position (GRCh38, 1-based): chr22:37,974,123, C>T on the plus strand (G>A on the coding strand, the complement: SOX10 is on the minus strand). VCF-style: chr22-37974123-C-T. GRCh37 (hg19) VCF-style: chr22-38370130-C-T.
Other names: c.*38+1813C>T (NM_001363825.1); c.293+6953C>T (NM_001301130.2, NM_001301131.2); short protein forms R258Q.
Identifiers: ClinVar variation 517217 (VCV000517217.16), dbSNP rs748234376, ClinGen allele CA10228589.

ClinVar aggregate classification (germline): Uncertain significance. Review status: criteria provided, multiple submitters, no conflicts (2 of 4 stars). 4 submissions from 4 submitters: Uncertain significance (4). Last evaluated 2025-09-11.

Conditions:
SOX10-related disorder. Also called: SOX10-related condition.

Allele frequency attached by ClinVar (database versions not stated): TOPMed 0.00001; ExAC 0.00006; gnomAD 0.00006.

Submissions (4):

PreventionGenetics, part of Exact Sciences
Classification: Uncertain significance for SOX10-related condition. Last evaluated: 2025-09-11. Review status: criteria provided, single submitter. Criteria: ACMG Guidelines, 2015. Collection method: clinical testing. Allele origin: germline.
Comment: The SOX10 c.773G>A variant is predicted to result in the amino acid substitution p.Arg258Gln. This variant was reported as de novo in a patient with autism spectrum disorder (Table S2, Iossifov et al 2014. PubMed ID: 25363768), and to our knowledge has not been reported in patients with a SOX10 specific disorder. This variant is reported in 0.023% of alleles in individuals of Latino descent in gnomAD representing 18 heterozygous individuals , which is high for a disease causing variant in this gene. While we suspect this variant may be benign, at this time, the clinical significance of this variant is uncertain due to the absence of conclusive functional and genetic evidence.

GeneDx
Classification: Uncertain significance. Last evaluated: 2025-07-14. Review status: criteria provided, single submitter. Criteria: GeneDx Variant Classification Process June 2021. Collection method: clinical testing. Allele origin: germline. Affected: yes.
Comment: Observed as an assumed de novo variant in patients with autism spectrum disorders in published literature; however, the reported clinical features are not consistent with the features typically observed in individuals with pathogenic variants in this gene (PMID: 31785789, 35982159, 35982160, 25363768); In silico analysis supports that this missense variant has a deleterious effect on protein structure/function; This variant is associated with the following publications: (PMID: 31785789, 34011629, 35982160, 31133750, 35982159, 25363768, 37217689)

Labcorp Genetics (formerly Invitae), Labcorp
Classification: Uncertain significance. Last evaluated: 2024-07-23. Review status: criteria provided, single submitter. Criteria: Invitae Variant Classification Sherloc (09022015). Collection method: clinical testing. Allele origin: germline.
Comment: This sequence change replaces arginine, which is basic and polar, with glutamine, which is neutral and polar, at codon 258 of the SOX10 protein (p.Arg258Gln). This variant is present in population databases (rs748234376, gnomAD 0.02%). This variant has not been reported in the literature in individuals affected with SOX10-related conditions. ClinVar contains an entry for this variant (Variation ID: 517217). Advanced modeling of protein sequence and biophysical properties (such as structural, functional, and spatial information, amino acid conservation, physicochemical variation, residue mobility, and thermodynamic stability) performed at Invitae indicates that this missense variant is not expected to disrupt SOX10 protein function with a negative predictive value of 80%. In summary, the available evidence is currently insufficient to determine the role of this variant in disease. Therefore, it has been classified as a Variant of Uncertain Significance.

Laboratory for Molecular Medicine, Mass General Brigham Personalized Medicine
Classification: Uncertain significance. Last evaluated: 2017-07-25. Review status: criteria provided, single submitter. Criteria: LMM Criteria. Collection method: clinical testing. Allele origin: germline. Observed: 2 variant alleles.
Comment: The p.Arg258Gln variant in SOX10 has not been reported in individuals with heari ng loss or Waardenburg syndrome, but has been identified in 8/34416 Latino chrom osomes by the Genome Aggregation Database (gnomAD. org; dbSNP rs748234376). Although this variant has been seen in the general popu lation, its frequency is not high enough to rule out a pathogenic role. Computat ional prediction tools and conservation analysis suggest that the p.Arg258Gln va riant may impact the protein, though this information is not predictive enough t o determine pathogenicity. In summary, the clinical significance of the p.Arg258 Gln variant is uncertain.